The following is an entry in ClinVar:

NM_001754.5(RUNX1):c.270dup (p.Arg91fs)

Gene: RUNX1 (RUNX family transcription factor 1; minus strand). Cytogenetic location: 21q22.12.
Variant type: Duplication.
Coding change: c.270dup on transcript NM_001754.5 (MANE Select); coding-DNA position 270, one base duplicated (G; older notation c.270dupG).
Protein change: p.Arg91fs; shifts the reading frame from arginine 91.
Molecular consequence: frameshift variant.
Genome position (GRCh38, 1-based): chr21:34,886,924, C duplicated on the plus strand (G on the coding strand, the reverse complement: RUNX1 is on the minus strand). VCF-style (leftmost placement, unchanged base first): chr21-34886923-G-GC. GRCh37 (hg19) VCF-style: chr21-36259220-G-GC.
Other names: NM_001754.5(RUNX1):c.270dup; p.Arg91fs; c.189dup, p.Arg64fs (NM_001001890.3, NM_001122607.2); short protein forms R64fs, R91fs.
Identifiers: ClinVar variation 988416 (VCV000988416.2), dbSNP rs2057999400, ClinGen allele CA1139666850.

ClinVar aggregate classification (germline): Pathogenic. Review status: reviewed by expert panel (3 of 4 stars). 2 submissions from 2 submitters: Pathogenic (1). 1 of the submissions does not count toward it. Last evaluated 2023-12-09.

Conditions:
Hereditary thrombocytopenia and hematologic cancer predisposition syndrome. Identifiers: Orphanet 71290, MedGen CN281654, MONDO:0011071.

Submissions (2):

ClinGen Myeloid Malignancy Variant Curation Expert Panel
Classification: Pathogenic for Hereditary thrombocytopenia and hematologic cancer predisposition syndrome. Last evaluated: 2023-12-09. Review status: reviewed by expert panel. Criteria: ClinGen MyeloMalig ACMG Specifications v2. Collection method: curation. Allele origin: germline. Inheritance: Autosomal dominant inheritance.
Comment: The NM_001754.5(RUNX1):c.270dup (p.Arg91AlafsTer47) variant in RUNX1 is a frameshift variant predicted to cause a premature stop codon in biologically relevant exon 5/9 leading to nonsense mediated decay in a gene in which loss-of-function is an established disease mechanism (PVS1). This variant is absent from gnomAD v2, v3, and v4 with at least 20x coverage (PM2_Supporting). However, other pathogenic/likely pathogenic frameshift alterations in exons 4 or 5 have been reported (PMID: 35764482) (PM5_Supporting). In summary, this variant meets the criteria to be classified as pathogenic for autosomal dominant hereditary thrombocytopenia and hematologic cancer predisposition syndrome based on the ACMG/AMP criteria applied, as specified by the ClinGen Myeloid Malignancy VCEP: PVS1, PM2_Supporting, and PM5_Supporting. (Version 2; date of approval)

Clinical Genetics and Genomics, Karolinska University Hospital
Classification: Pathogenic. Last evaluated: 2018-01-25. Review status: criteria provided, single submitter. Criteria: ACMG Guidelines, 2015. Collection method: clinical testing. Allele origin: germline. Affected: yes. Observed: 1 variant allele. Not counted in ClinVar's aggregate classification.